The following is an entry in ClinVar:

NM_006343.3(MERTK):c.2263del (p.Arg755fs)

Gene: MERTK (MER proto-oncogene, tyrosine kinase; plus strand). Cytogenetic location: 2q13.
Variant type: Deletion.
Coding change: c.2263del on transcript NM_006343.3 (MANE Select); coding-DNA position 2263, one base deleted (C; older notation c.2263delC).
Protein change: p.Arg755fs; shifts the reading frame from arginine 755.
Molecular consequence: frameshift variant.
Genome position (GRCh38, 1-based): chr2:112,021,495, C deleted; the last of 2 consecutive C bases (chr2:112,021,494-112,021,495); deleting either gives the same sequence. VCF-style (leftmost placement, unchanged base first): chr2-112021493-AC-A. GRCh37 (hg19) VCF-style: chr2-112779070-AC-A.
Other names: short protein forms R755fs.
Identifiers: ClinVar variation 4810305 (VCV004810305.2).
Genomic context (GRCh38, chr2:112,021,493, plus strand): 5'-ACATGACTGTCTGTGTTGCGGACTTCGGCCTCTCTAAGAAGATTTACAGTGGCGATTATT[AC>A]CGCCAAGGCCGCATTGCTAAGATGCCTGTTAAATGGATCGCCATAGAAAGTCTTGCAGAC-3'

ClinVar aggregate classification (germline): Pathogenic/Likely pathogenic. Review status: criteria provided, multiple submitters, no conflicts (2 of 4 stars). 2 submissions from 2 submitters: Pathogenic (1); Likely pathogenic (1). Last evaluated 2025-07-24.

Conditions:
MERTK-related disorder. Also called: MERTK-related condition.

Submissions (2):

Labcorp Genetics (formerly Invitae), Labcorp
Classification: Pathogenic. Last evaluated: 2025-07-24. Review status: criteria provided, single submitter. Criteria: Invitae Variant Classification Sherloc (09022015). Collection method: clinical testing. Allele origin: germline.
Comment: This sequence change creates a premature translational stop signal (p.Arg755Alafs*15) in the MERTK gene. It is expected to result in an absent or disrupted protein product. Loss-of-function variants in MERTK are known to be pathogenic (PMID: 24265693, 29659094). This variant is present in population databases (rs747342084, gnomAD 0.01%). This variant has not been reported in the literature in individuals affected with MERTK-related conditions. For these reasons, this variant has been classified as Pathogenic.

Blueprint Genetics
Classification: Likely pathogenic for MERTK-related disorders. Last evaluated: 2019-01-29. Review status: criteria provided, single submitter. Criteria: ACMG Guidelines, 2015. Collection method: clinical testing. Allele origin: germline. Affected: yes. Observed: 1 variant allele.

Literature cited by the submitters: PubMed 24265693 (cited by Labcorp Genetics (formerly Invitae), Labcorp); PubMed 29659094 (cited by Labcorp Genetics (formerly Invitae), Labcorp).